The following is an entry in ClinVar:

NM_003482.4(KMT2D):c.11745_11786dup (p.Gln3930_Leu3931insGlnGlnGlnLeuGlnGlnGlnGlnGlnLeuGlnGlnGlnGln)

Gene: KMT2D (lysine methyltransferase 2D; minus strand). Cytogenetic location: 12q13.12.
Variant type: Duplication.
Coding change: c.11745_11786dup on transcript NM_003482.4 (MANE Select); coding-DNA positions 11745 to 11786, 42 bases duplicated.
Protein change: p.Gln3930_Leu3931insGlnGlnGlnLeuGlnGlnGlnGlnGlnLeuGlnGlnGlnGln.
Molecular consequence: inframe insertion.
Genome position (GRCh38, 1-based): chr12:49,032,919-49,032,960, 42 bases duplicated; duplicating any 42 consecutive bases within chr12:49,032,919-49,032,986 gives the same sequence; the c. name uses the placement nearest the transcript's 3' end. GRCh37 (hg19): chr12:49,426,728-49,426,769.
Identifiers: ClinVar variation 4702405 (VCV004702405.1).

ClinVar aggregate classification (germline): Uncertain significance (1 of 4 stars; one submission).

Conditions:
Kabuki syndrome. Also called: NIIKAWA-KUROKI SYNDROME; Kabuki make-up syndrome. Identifiers: Orphanet 2322, MedGen C0796004, MONDO:0016512.

Submission:

Labcorp Genetics (formerly Invitae), Labcorp
Classification: Uncertain significance for Kabuki syndrome. Last evaluated: 2025-08-10. Review status: criteria provided, single submitter. Criteria: Invitae Variant Classification Sherloc (09022015). Collection method: clinical testing. Allele origin: germline.
Comment: This variant, c.11745_11786dup, results in the insertion of 14 amino acid(s) of the KMT2D protein (p.Gln3917_Gln3930dup), but otherwise preserves the integrity of the reading frame. This variant is not present in population databases (gnomAD no frequency). This variant has not been reported in the literature in individuals affected with KMT2D-related conditions. Experimental studies and prediction algorithms are not available or were not evaluated, and the functional significance of this variant is currently unknown. In summary, the available evidence is currently insufficient to determine the role of this variant in disease. Therefore, it has been classified as a Variant of Uncertain Significance.